The following is an entry in ClinVar:

NM_000384.3(APOB):c.8135G>A (p.Arg2712His)

Gene: APOB (apolipoprotein B; minus strand). Cytogenetic location: 2p24.1.
Variant type: single nucleotide variant.
Coding change: c.8135G>A on transcript NM_000384.3 (MANE Select); coding-DNA position 8135, G replaced by A.
Protein change: p.Arg2712His; replaces arginine 2712 with histidine.
Molecular consequence: missense variant.
Genome position (GRCh38, 1-based): chr2:21,008,733, C>T on the plus strand (G>A on the coding strand, the complement: APOB is on the minus strand). VCF-style: chr2-21008733-C-T. GRCh37 (hg19) VCF-style: chr2-21231605-C-T.
Other names: short protein forms R2712H.
Identifiers: ClinVar variation 808683 (VCV000808683.25), dbSNP rs368283618, ClinGen allele CA065198.

ClinVar aggregate classification (germline): Conflicting classifications of pathogenicity. Review status: criteria provided, conflicting classifications (1 of 4 stars). 3 submissions from 3 submitters: Uncertain significance (1); Benign (1); Likely benign (1). Last evaluated 2026-05-08.

Conditions:
Hypercholesterolemia, autosomal dominant, type B (FHCL2). Also called: Hyperlipoproteinemia Type IIb; Familial hypercholesterolemia 2; APOB-Related Familial Hypercholesterolemia, Autosomal Dominant; Familial Hypercholesterolemia Type B; APOLIPOPROTEIN B-100, FAMILIAL DEFECTIVE; APOLIPOPROTEIN B-100, FAMILIAL LIGAND-DEFECTIVE. Identifiers: MedGen C1704417, MONDO:0007751, OMIM 144010.
Familial hypobetalipoproteinemia 1. Also called: Hypobetalipoproteinemia, normotriglyceridemic; Acanthocytosis with hypobetalipoproteinemia; APOB-Related Familial Hypobetalipoproteinemia. Identifiers: MedGen C4551990, MONDO:0014252, OMIM 615558.
Cardiovascular phenotype. Identifiers: MedGen CN230736.
Familial hypercholesterolemia. Also called: Familial hypercholesterolemias; Familial hypercholesterolaemia. Identifiers: MedGen C0020445, MONDO:0005439.

Allele frequency attached by ClinVar (database versions not stated): ExAC 0.00002; gnomAD exomes 0.00002; gnomAD 0.00003 and 0.00004; TOPMed 0.00003; ESP Exome Variant Server 0.00008.
gnomAD v4.1: 25 of 1,613,914 alleles (0.0015%); highest among the groups gnomAD compares: African/African-American, 0.011%; no homozygotes.

Submissions (3):

Cambridge Genomics Laboratory, East Genomic Laboratory Hub, NHS Genomic Medicine Service
Classification: Uncertain significance for Familial hypercholesterolaemia. Last evaluated: 2026-05-08. Review status: criteria provided, single submitter. Criteria: ACGS Best Practice Guidelines for Variant Classification in Rare Disease 2020. Collection method: clinical testing. Allele origin: germline. Affected: yes.
Comment: PM2_Supporting,PP4

Labcorp Genetics (formerly Invitae), Labcorp
Classification: Benign for Familial hypobetalipoproteinemia 1; Hypercholesterolemia, autosomal dominant, type B. Last evaluated: 2025-07-19. Review status: criteria provided, single submitter. Criteria: Invitae Variant Classification Sherloc (09022015). Collection method: clinical testing. Allele origin: germline.

Ambry Genetics
Classification: Likely benign for Cardiovascular phenotype. Last evaluated: 2022-02-07. Review status: criteria provided, single submitter. Criteria: Ambry Variant Classification Scheme 2023. Collection method: clinical testing. Allele origin: germline.